The following is an entry in ClinVar:

NM_001034853.2(RPGR):c.2817_2818del (p.Glu940fs)

Gene: RPGR (retinitis pigmentosa GTPase regulator; minus strand). Cytogenetic location: Xp11.4.
Variant type: Deletion.
Coding change: c.2817_2818del on transcript NM_001034853.2 (MANE Select); coding-DNA positions 2817 to 2818, 2 bases deleted (GG; older notation c.2817_2818delGG).
Protein change: p.Glu940fs; shifts the reading frame from glutamic acid 940.
Molecular consequence: frameshift variant. On other transcripts: intron variant (8).
Genome position (GRCh38, 1-based): chrX:38,286,181-38,286,182, CC deleted on the plus strand (GG on the coding strand, the reverse complement: RPGR is on the minus strand); deleting any 2 consecutive bases within chrX:38,286,181-38,286,184 gives the same sequence; the c. name uses the placement nearest the transcript's 3' end. VCF-style (leftmost placement, unchanged base first): chrX-38286180-TCC-T. GRCh37 (hg19) VCF-style: chrX-38145433-TCC-T.
Other names: c.1569+4777_1569+4778del (NM_001367249.1, NM_001367250.1); c.1902+912_1902+913del (NM_001367245.1); c.1386+4777_1386+4778del (NM_001367251.1); c.1719+912_1719+913del (NM_001367246.1); c.1572+4777_1572+4778del (NM_001367247.1); c.1905+912_1905+913del (NM_000328.3); c.1602+4777_1602+4778del (NM_001367248.1); short protein forms E940fs.
Identifiers: ClinVar variation 1297113 (VCV001297113.5), dbSNP rs2147194427, ClinGen allele CA2499226686.

ClinVar aggregate classification (germline): Pathogenic/Likely pathogenic. Review status: criteria provided, multiple submitters, no conflicts (2 of 4 stars). 3 submissions from 3 submitters: Pathogenic (1); Likely pathogenic (2). Last evaluated 2022-10-07.

Conditions:
RPGR-related disorder. Also called: RPGR-related condition.
Retinitis pigmentosa (RP). Identifiers: Orphanet 791, MedGen C0035334, MeSH D012174, MONDO:0019200, OMIM 268000. Inheritance: Autosomal dominant, autosomal recessive and X linked inheritance.

Submissions (3):

Blueprint Genetics
Classification: Pathogenic for RPGR-related disorders. Last evaluated: 2022-10-07. Review status: criteria provided, single submitter. Criteria: ACMG Guidelines, 2015. Collection method: clinical testing. Allele origin: germline. Affected: yes. Observed: 5 variant alleles.

Broad Center for Mendelian Genomics, Broad Institute of MIT and Harvard
Classification: Likely pathogenic for Retinitis pigmentosa. Last evaluated: 2021-04-01. Review status: criteria provided, single submitter. Criteria: ACMG Guidelines, 2015. Collection method: curation. Allele origin: germline. Inheritance: X-linked inheritance. Affected: yes.
Comment: Through a review of available evidence we were able to apply the following criteria: PVS1, PM2. Based on this evidence we have classified this variant as Likely Pathogenic. If you have any questions about the classification please reach out to the Pierce Lab.

PreventionGenetics, part of Exact Sciences
Classification: Likely pathogenic. Last evaluated: 2017-06-11. Review status: criteria provided, single submitter. Criteria: ACMG Guidelines, 2015. Collection method: clinical testing. Allele origin: germline.

Literature cited by the submitters: PubMed 34906470 (cited by Broad Center for Mendelian Genomics, Broad Institute of MIT and Harvard).